The following is an entry in ClinVar:

ClinVar aggregate classification (germline): Uncertain significance (1 of 4 stars; one submission).

Allele frequency attached by ClinVar (database versions not stated): gnomAD 0.00001; TOPMed 0.00001.
gnomAD v4.1: 4 of 1,613,626 alleles (0.00025%); highest among the groups gnomAD compares: Non-Finnish European, 0.00034%; no homozygotes.

Submission:

Women's Health and Genetics/Laboratory Corporation of America, LabCorp
Classification: Uncertain significance. Last evaluated: 2020-04-06. Review status: criteria provided, single submitter. Criteria: LabCorp Variant Classification Summary - May 2015. Collection method: clinical testing. Allele origin: germline.
Comment: Variant summary: TTN c.78052A>G (p.Ile26018Val) results in a conservative amino acid change located in the A-band region of the encoded protein sequence. Five of five in-silico tools predict a benign effect of the variant on protein function. The variant was absent in 248344 control chromosomes. The available data on variant occurrences in the general population are insufficient to allow any conclusion about variant significance. To our knowledge, no occurrence of c.78052A>G in individuals affected with Cardiomyopathy and no experimental evidence demonstrating its impact on protein function have been reported. No clinical diagnostic laboratories have submitted clinical-significance assessments for this variant to ClinVar after 2014. Based on the evidence outlined above, the variant was classified as uncertain significance.

NM_001267550.2(TTN):c.85756A>G (p.Ile28586Val)

Genes: TTN (titin; minus strand), TTN-AS1 (TTN antisense RNA 1; plus strand). Cytogenetic location: 2q31.2.
Variant type: single nucleotide variant.
Coding change: c.85756A>G on transcript NM_001267550.2 (MANE Select); coding-DNA position 85756, A replaced by G.
Protein change: p.Ile28586Val; replaces isoleucine 28586 with valine.
Molecular consequence: missense variant.
Genome position (GRCh38, 1-based): chr2:178,560,376, T>C on the plus strand (A>G on the coding strand, the complement: TTN is on the minus strand). VCF-style: chr2-178560376-T-C. GRCh37 (hg19) VCF-style: chr2-179425103-T-C.
Other names: c.80833A>G, p.Ile26945Val (NM_001256850.1); c.58561A>G, p.Ile19521Val (NM_003319.4); c.78052A>G, p.Ile26018Val (NM_133378.4); c.58936A>G, p.Ile19646Val (NM_133432.3); c.59137A>G, p.Ile19713Val (NM_133437.4); short protein forms I28586V, I19521V, I19646V, I19713V, I26018V, I26945V.
Identifiers: ClinVar variation 917799 (VCV000917799.1), dbSNP rs1187128207, ClinGen allele CA349548127.